The following is an entry in ClinVar:

NM_001184900.3(CARD8):c.676G>C (p.Glu226Gln)

Gene: CARD8 (caspase recruitment domain family member 8; minus strand). Cytogenetic location: 19q13.33.
Variant type: single nucleotide variant.
Coding change: c.676G>C on transcript NM_001184900.3 (MANE Select); coding-DNA position 676, G replaced by C.
Protein change: p.Glu226Gln; replaces glutamic acid 226 with glutamine.
Molecular consequence: missense variant. On other transcripts: non-coding transcript variant (4).
Genome position (GRCh38, 1-based): chr19:48,230,873, C>G on the plus strand (G>C on the coding strand, the complement: CARD8 is on the minus strand). VCF-style: chr19-48230873-C-G. GRCh37 (hg19) VCF-style: chr19-48734130-C-G.
Other names: c.526G>C, p.Glu176Gln (NM_001184901.1, NM_001351783.2, NM_001351788.2 and 2 more transcripts); c.676G>C, p.Glu226Gln (NM_001184902.2, NM_001184903.1, NM_001351782.2); c.361G>C, p.Glu121Gln (NM_001351784.2, NM_001351787.2, NM_001351791.2 and 2 more transcripts); c.340G>C, p.Glu114Gln (NM_001351786.2); c.433G>C, p.Glu145Gln (NM_001351790.2); short protein forms E114Q, E121Q, E145Q, E226Q, E176Q.
Identifiers: ClinVar variation 1488028 (VCV001488028.8), dbSNP rs2042740669, ClinGen allele CA406644428.

ClinVar aggregate classification (germline): Uncertain significance (1 of 4 stars; one submission).

Submission:

Labcorp Genetics (formerly Invitae), Labcorp
Classification: Uncertain significance. Last evaluated: 2023-07-10. Review status: criteria provided, single submitter. Criteria: Invitae Variant Classification Sherloc (09022015). Collection method: clinical testing. Allele origin: germline.
Comment: In summary, the available evidence is currently insufficient to determine the role of this variant in disease. Therefore, it has been classified as a Variant of Uncertain Significance. An algorithm developed to predict the effect of missense changes on protein structure and function (PolyPhen-2) suggests that this variant is likely to be disruptive. ClinVar contains an entry for this variant (Variation ID: 1488028). This variant has not been reported in the literature in individuals affected with CARD8-related conditions. This variant is not present in population databases (gnomAD no frequency). This sequence change replaces glutamic acid, which is acidic and polar, with glutamine, which is neutral and polar, at codon 176 of the CARD8 protein (p.Glu176Gln).